The following is an entry in ClinVar:

ClinVar aggregate classification (germline): Uncertain significance (1 of 4 stars; one submission).

Conditions:
Hereditary cancer-predisposing syndrome. Also called: Neoplastic Syndromes, Hereditary; Tumor predisposition; Hereditary Cancer Syndrome; Hereditary neoplastic syndrome. Identifiers: Orphanet 140162, MedGen C0027672, MeSH D009386, MONDO:0015356.

gnomAD v4.1: 1 of 1,614,160 alleles (0.000062%); highest among the groups gnomAD compares: Non-Finnish European, 0.000085%; no homozygotes.

Submission:

Ambry Genetics
Classification: Uncertain significance for Hereditary cancer-predisposing syndrome. Last evaluated: 2026-03-16. Review status: criteria provided, single submitter. Criteria: Ambry Variant Classification Scheme 2023. Collection method: clinical testing. Allele origin: germline.
Comment: The p.K792E variant (also known as c.2374A>G), located in coding exon 15 of the APC gene, results from an A to G substitution at nucleotide position 2374. The lysine at codon 792 is replaced by glutamic acid, an amino acid with similar properties. This amino acid position is conserved. In addition, in silico predictors for this gene do not accurately predict pathogenicity. Based on the available evidence, the clinical significance of this variant remains unclear.

NM_000038.6(APC):c.2374A>G (p.Lys792Glu)

Gene: APC (APC regulator of Wnt signaling pathway; plus strand). Cytogenetic location: 5q22.2.
Variant type: single nucleotide variant.
Coding change: c.2374A>G on transcript NM_000038.6 (MANE Select); coding-DNA position 2374, A replaced by G.
Protein change: p.Lys792Glu; replaces lysine 792 with glutamic acid.
Molecular consequence: missense variant. On other transcripts: non-coding transcript variant (2).
Genome position (GRCh38, 1-based): chr5:112,837,968, A>G. VCF-style: chr5-112837968-A-G. GRCh37 (hg19) VCF-style: chr5-112173665-A-G.
Other names: c.1525A>G, p.Lys509Glu (NM_001407470.1, NM_001354906.2); c.1222A>G, p.Lys408Glu (NM_001407471.1, NM_001407472.1); c.2071A>G, p.Lys691Glu (NM_001407458.1, NM_001407459.1, NM_001407460.1 and 1 more transcripts); c.1987A>G, p.Lys663Glu (NM_001407467.1, NM_001407469.1); c.2374A>G, p.Lys792Glu (NM_001127510.3, NM_001354895.2, NM_001407450.1); c.2320A>G, p.Lys774Glu (NM_001127511.3); c.2428A>G, p.Lys810Glu (NM_001354896.2, NM_001407447.1, NM_001407448.1 and 1 more transcripts); c.2404A>G, p.Lys802Glu (NM_001354897.2); and 11 more; short protein forms K408E, K509E, K632E, K663E, K666E, K691E, K701E, K709E.
Identifiers: ClinVar variation 4860380 (VCV004860380.1).
Genomic context (GRCh38, chr5:112,837,968, plus strand): 5'-ACTTTTGACAATATAGACAATTTAAGTCCCAAGGCATCTCATCGTAGTAAGCAGAGACAC[A>G]AGCAAAGTCTCTATGGTGATTATGTTTTTGACACCAATCGACATGATGATAATAGGTCAG-3'
Protein context (NP_000029.2, residues 782-802): KASHRSKQRH[Lys792Glu]QSLYGDYVFD